The following is an entry in ClinVar:

NM_000179.3(MSH6):c.1754del (p.Leu585fs)

Gene: MSH6 (mutS homolog 6; plus strand). Cytogenetic location: 2p16.3.
Variant type: Deletion.
Coding change: c.1754del on transcript NM_000179.3 (MANE Select); coding-DNA position 1754, one base deleted (T; older notation c.1754delT).
Protein change: p.Leu585fs; shifts the reading frame from leucine 585.
Molecular consequence: frameshift variant. On other transcripts: non-coding transcript variant (4), intron variant (2).
Genome position (GRCh38, 1-based): chr2:47,799,737, T deleted. VCF-style (leftmost placement, unchanged base first): chr2-47799736-CT-C. GRCh37 (hg19) VCF-style: chr2-48026875-CT-C.
Other names: c.1364del, p.Leu455fs (NM_001281492.2); c.848del, p.Leu283fs (NM_001281493.2, NM_001281494.2, NM_001406811.1 and 6 more transcripts); c.1850del, p.Leu617fs (NM_001406795.1, NM_001406802.1); c.1754del, p.Leu585fs (NM_001406796.1, NM_001406798.1, NM_001406800.1 and 3 more transcripts); c.1457del, p.Leu486fs (NM_001406797.1, NM_001406801.1, NM_001406805.1 and 10 more transcripts); c.1229del, p.Leu410fs (NM_001406799.1, NM_001406806.1, NM_001406807.1); c.1676del, p.Leu559fs (NM_001406804.1); c.1760del, p.Leu587fs (NM_001406813.1); and 3 more; short protein forms L283fs, L410fs, L455fs, L486fs, L529fs, L559fs, L585fs, L587fs.
Identifiers: ClinVar variation 3230513 (VCV003230513.1), dbSNP rs2530628056, ClinGen allele CA2825001119.

ClinVar aggregate classification (germline): Pathogenic (1 of 4 stars; one submission).

Conditions:
Hereditary cancer-predisposing syndrome. Also called: Neoplastic Syndromes, Hereditary; Tumor predisposition; Hereditary neoplastic syndrome; Hereditary Cancer Syndrome. Identifiers: Orphanet 140162, MedGen C0027672, MeSH D009386, MONDO:0015356.

Submission:

Ambry Genetics
Classification: Pathogenic for Hereditary cancer-predisposing syndrome. Last evaluated: 2023-09-28. Review status: criteria provided, single submitter. Criteria: Ambry Variant Classification Scheme 2023. Collection method: clinical testing. Allele origin: germline.
Comment: The c.1754delT variant, located in coding exon 4 of the MSH6 gene, results from a deletion of one nucleotide at nucleotide position 1754, causing a translational frameshift with a predicted alternate stop codon (p.L585Qfs*25). This variant is considered to be rare based on population cohorts in the Genome Aggregation Database (gnomAD). This alteration is expected to result in loss of function by premature protein truncation or nonsense-mediated mRNA decay. As such, this alteration is interpreted as a disease-causing mutation.